The following is an entry in ClinVar:

ClinVar aggregate classification (germline): Pathogenic (1 of 4 stars; one submission).

Submission:

Labcorp Genetics (formerly Invitae), Labcorp
Classification: Pathogenic. Last evaluated: 2023-08-14. Review status: criteria provided, single submitter. Criteria: Invitae Variant Classification Sherloc (09022015). Collection method: clinical testing. Allele origin: germline.
Comment: This variant has not been reported in the literature in individuals affected with NSD1-related conditions. For these reasons, this variant has been classified as Pathogenic. Algorithms developed to predict the effect of sequence changes on RNA splicing suggest that this variant may create or strengthen a splice site. This variant is not present in population databases (gnomAD no frequency). This sequence change creates a premature translational stop signal (p.Trp1769*) in the NSD1 gene. It is expected to result in an absent or disrupted protein product. Loss-of-function variants in NSD1 are known to be pathogenic (PMID: 12464997, 14571271, 15942875, 16247291).

Literature cited by the submitters: PubMed 12464997; PubMed 14571271; PubMed 15942875; PubMed 16247291.

NM_022455.5(NSD1):c.5306G>A (p.Trp1769Ter)

Genes: NSD1 (nuclear receptor binding SET domain protein 1; plus strand), LOC126807619 (MED14-independent group 3 enhancer GRCh37_chr5:176696443-176697642; plus strand). Cytogenetic location: 5q35.3.
Variant type: single nucleotide variant.
Coding change: c.5306G>A on transcript NM_022455.5 (MANE Select); coding-DNA position 5306, G replaced by A.
Protein change: p.Trp1769Ter; replaces tryptophan 1769 with a stop codon.
Molecular consequence: nonsense.
Genome position (GRCh38, 1-based): chr5:177,269,604, G>A. VCF-style: chr5-177269604-G-A. GRCh37 (hg19) VCF-style: chr5-176696605-G-A.
Other names: c.4433G>A, p.Trp1478Ter (NM_001365684.2, NM_001409308.1, NM_001409309.1 and 1 more transcripts); c.5306G>A, p.Trp1769Ter (NM_001409301.1, NM_001409302.1, NM_001409303.1); c.4886G>A, p.Trp1629Ter (NM_001409304.1); c.4553G>A, p.Trp1518Ter (NM_001409305.1); c.4544G>A, p.Trp1515Ter (NM_001409306.1, NM_001409307.1); short protein forms W1478*, W1515*, W1518*, W1629*, W1769*.
Identifiers: ClinVar variation 3668722 (VCV003668722.2).